The following is an entry in ClinVar:

NM_031935.3(HMCN1):c.12250C>T (p.His4084Tyr)

Gene: HMCN1 (hemicentin 1; plus strand). Cytogenetic location: 1q31.1.
Variant type: single nucleotide variant.
Coding change: c.12250C>T on transcript NM_031935.3 (MANE Select); coding-DNA position 12250, C replaced by T.
Protein change: p.His4084Tyr; replaces histidine 4084 with tyrosine.
Molecular consequence: missense variant.
Genome position (GRCh38, 1-based): chr1:186,122,971, C>T. VCF-style: chr1-186122971-C-T. GRCh37 (hg19) VCF-style: chr1-186092103-C-T.
Other names: short protein forms H4084Y.
Identifiers: ClinVar variation 294247 (VCV000294247.16), dbSNP rs41317489, ClinGen allele CA1294317.

ClinVar aggregate classification (germline): Benign. Review status: criteria provided, multiple submitters, no conflicts (2 of 4 stars). 4 submissions from 4 submitters: Benign (4). Last evaluated 2026-02-02.

Conditions:
Age related macular degeneration 1 (ARMD1). Also called: MACULOPATHY, AGE-RELATED, 1. Identifiers: MedGen C1864205, MONDO:0011285, OMIM 603075.

Allele frequency attached by ClinVar (database versions not stated): 1000 Genomes Project 0.00659; 1000 Genomes Project 30x 0.00703; gnomAD exomes 0.00937 and 0.01335; gnomAD 0.00966 and 0.00992; ExAC 0.00969; TOPMed 0.00984; ESP Exome Variant Server 0.01246.
gnomAD v4.1: 20,871 of 1,613,838 alleles (1.3%); highest among the groups gnomAD compares: Middle Eastern, 2.3%; 177 homozygotes.

Submissions (4):

Labcorp Genetics (formerly Invitae), Labcorp
Classification: Benign. Last evaluated: 2026-02-02. Review status: criteria provided, single submitter. Criteria: Invitae Variant Classification Sherloc (09022015). Collection method: clinical testing. Allele origin: germline.

Genome-Nilou Lab
Classification: Benign for Age related macular degeneration 1. Last evaluated: 2023-04-11. Review status: criteria provided, single submitter. Criteria: ACMG Guidelines, 2015. Collection method: clinical testing. Allele origin: germline. Affected: no.

Illumina Laboratory Services, Illumina
Classification: Benign for Age related macular degeneration 1. Last evaluated: 2018-01-13. Review status: criteria provided, single submitter. Criteria: ICSL Variant Classification Criteria 13 December 2019. Collection method: clinical testing. Allele origin: germline.
Comment: This variant was observed in the ICSL laboratory as part of a predisposition screen in an ostensibly healthy population. It had not been previously curated by ICSL or reported in the Human Gene Mutation Database (HGMD: prior to June 1st, 2018), and was therefore a candidate for classification through an automated scoring system. Utilizing variant allele frequency, disease prevalence and penetrance estimates, and inheritance mode, an automated score was calculated to assess if this variant is too frequent to cause the disease. Based on the score and internal cut-off values, a variant classified as benign is not then subjected to further curation. The score for this variant resulted in a classification of benign for this disease.

Breakthrough Genomics
Classification: Benign. Review status: criteria provided, single submitter. Criteria: ACMG Guidelines, 2015. Collection method: not provided. Allele origin: germline. Inheritance: Autosomal dominant inheritance. Affected: yes.